The following is an entry in ClinVar:

ClinVar aggregate classification (germline): Uncertain significance (1 of 4 stars; one submission).

Allele frequency attached by ClinVar (database versions not stated): gnomAD exomes below 0.00001; ExAC 0.00001.
gnomAD v4.1: 3 of 1,614,212 alleles (0.00019%); highest among the groups gnomAD compares: Non-Finnish European, 0.00025%; no homozygotes.

Submission:

Labcorp Genetics (formerly Invitae), Labcorp
Classification: Uncertain significance. Last evaluated: 2024-03-18. Review status: criteria provided, single submitter. Criteria: Invitae Variant Classification Sherloc (09022015). Collection method: clinical testing. Allele origin: germline.
Comment: This sequence change replaces glutamine, which is neutral and polar, with proline, which is neutral and non-polar, at codon 134 of the IRF9 protein (p.Gln134Pro). This variant is not present in population databases (gnomAD no frequency). This variant has not been reported in the literature in individuals affected with IRF9-related conditions. ClinVar contains an entry for this variant (Variation ID: 2137152). Algorithms developed to predict the effect of missense changes on protein structure and function output the following: SIFT: "Not Available"; PolyPhen-2: "Benign"; Align-GVGD: "Not Available". The proline amino acid residue is found in multiple mammalian species, which suggests that this missense change does not adversely affect protein function. In summary, the available evidence is currently insufficient to determine the role of this variant in disease. Therefore, it has been classified as a Variant of Uncertain Significance.

NM_006084.5(IRF9):c.401A>C (p.Gln134Pro)

Gene: IRF9 (interferon regulatory factor 9; plus strand). Cytogenetic location: 14q12.
Variant type: single nucleotide variant.
Coding change: c.401A>C on transcript NM_006084.5 (MANE Select); coding-DNA position 401, A replaced by C.
Protein change: p.Gln134Pro; replaces glutamine 134 with proline.
Molecular consequence: missense variant.
Genome position (GRCh38, 1-based): chr14:24,163,414, A>C. VCF-style: chr14-24163414-A-C. GRCh37 (hg19) VCF-style: chr14-24632623-A-C.
Other names: c.401A>C, p.Gln134Pro (NM_001385400.1, NM_001385401.1, NM_001385402.1); short protein forms Q134P.
Identifiers: ClinVar variation 2137152 (VCV002137152.4), dbSNP rs779171817, ClinGen allele CA7126434.